The following is an entry in ClinVar:

ClinVar aggregate classification (germline): Uncertain significance (1 of 4 stars; one submission).

Submission:

GeneDx
Classification: Uncertain significance. Last evaluated: 2026-03-22. Review status: criteria provided, single submitter. Criteria: GeneDx Variant Classification Process June 2021. Collection method: clinical testing. Allele origin: germline.
Comment: Not observed at significant frequency in large population cohorts (gnomAD); In silico analysis supports that this missense variant has a deleterious effect on protein structure/function; Has not been previously published as pathogenic or benign to our knowledge

NM_004369.4(COL6A3):c.7559C>G (p.Thr2520Arg)

Gene: COL6A3 (collagen type VI alpha 3 chain; minus strand). Cytogenetic location: 2q37.3.
Variant type: single nucleotide variant.
Coding change: c.7559C>G on transcript NM_004369.4 (MANE Select); coding-DNA position 7559, C replaced by G.
Protein change: p.Thr2520Arg; replaces threonine 2520 with arginine.
Molecular consequence: missense variant.
Genome position (GRCh38, 1-based): chr2:237,344,459, G>C on the plus strand (C>G on the coding strand, the complement: COL6A3 is on the minus strand). VCF-style: chr2-237344459-G-C. GRCh37 (hg19) VCF-style: chr2-238253102-G-C.
Other names: c.5738C>G, p.Thr1913Arg (NM_057166.5); c.6941C>G, p.Thr2314Arg (NM_057167.4); short protein forms T1913R, T2314R, T2520R.
Identifiers: ClinVar variation 5017143 (VCV005017143.1).